The following is an entry in ClinVar:

NC_000009.11:g.(?_137676815)_(137677914_?)del

Gene: COL5A1 (collagen type V alpha 1 chain; plus strand). Cytogenetic location: 9q34.3.
Variant type: Deletion.
Identifiers: ClinVar variation 2422353 (VCV002422353.6).

ClinVar aggregate classification (germline): Likely pathogenic (1 of 4 stars; one submission).

Conditions:
Ehlers-Danlos syndrome, classic type, 1 (EDSCL1). Also called: EDS I; EHLERS-DANLOS SYNDROME, GRAVIS TYPE; EHLERS-DANLOS SYNDROME, SEVERE CLASSIC TYPE; Ehlers-Danlos syndrome, type 1; Ehlers-Danlos Syndrome, Classic Type, COL5A1-Related. Identifiers: MedGen C0268335, MONDO:0019567, OMIM 130000.

Submission:

Labcorp Genetics (formerly Invitae), Labcorp
Classification: Likely pathogenic for Ehlers-Danlos syndrome, classic type, 1. Last evaluated: 2022-03-16. Review status: criteria provided, single submitter. Criteria: Invitae Variant Classification Sherloc (09022015). Collection method: clinical testing. Allele origin: germline.
Comment: This variant is a gross deletion of the genomic region encompassing exon(s) 30-31 of the COL5A1 gene. This variant would be expected to be in-frame, preserving the integrity of the reading frame. This variant has not been reported in the literature in individuals affected with COL5A1-related conditions. This variant disrupts the triple helix domain of COL5A1. Glycine residues within the Gly-Xaa-Yaa repeats of the triple helix domain are required for the structure and stability of fibrillar collagens (PMID: 7695699, 8218237, 19344236), and variants at these glycine residues in COL5A1 are more frequently observed in individuals with disease than in the general population (PMID: 22696272, 23587214). However, the clinical significance of this observation remains uncertain since only a limited number of affected individuals have been described to date. In summary, the currently available evidence indicates that the variant is pathogenic, but additional data are needed to prove that conclusively. Therefore, this variant has been classified as Likely Pathogenic.

Literature cited by the submitters: PubMed 7695699; PubMed 8218237; PubMed 19344236; PubMed 22696272; PubMed 23587214.